The following is an entry in ClinVar:

NM_033026.6(PCLO):c.1456C>T (p.Pro486Ser)

Gene: PCLO (piccolo presynaptic cytomatrix protein; minus strand). Cytogenetic location: 7q21.11.
Variant type: single nucleotide variant.
Coding change: c.1456C>T on transcript NM_033026.6 (MANE Select); coding-DNA position 1456, C replaced by T.
Protein change: p.Pro486Ser; replaces proline 486 with serine.
Molecular consequence: missense variant.
Genome position (GRCh38, 1-based): chr7:83,155,185, G>A on the plus strand (C>T on the coding strand, the complement: PCLO is on the minus strand). VCF-style: chr7-83155185-G-A. GRCh37 (hg19) VCF-style: chr7-82784501-G-A.
Other names: c.1456C>T, p.Pro486Ser (NM_014510.3); short protein forms P486S.
Identifiers: ClinVar variation 2883134 (VCV002883134.3), dbSNP rs201808333, ClinGen allele CA4321458.

ClinVar aggregate classification (germline): Uncertain significance. Review status: criteria provided, multiple submitters, no conflicts (2 of 4 stars). 2 submissions from 2 submitters: Uncertain significance (2). Last evaluated 2026-08-01.

Allele frequency attached by ClinVar (database versions not stated): ExAC 0.00002.

Submissions (2):

CeGaT Center for Human Genetics Tuebingen
Classification: Uncertain significance. Last evaluated: 2026-08-01. Review status: criteria provided, single submitter. Criteria: CeGaT Center For Human Genetics Tuebingen Variant Classification Criteria Version 2. Collection method: clinical testing. Allele origin: germline. Affected: yes. Observed: 1 variant allele.
Comment: PCLO: PM2, BP4

Labcorp Genetics (formerly Invitae), Labcorp
Classification: Uncertain significance. Last evaluated: 2023-11-04. Review status: criteria provided, single submitter. Criteria: Invitae Variant Classification Sherloc (09022015). Collection method: clinical testing. Allele origin: germline.
Comment: This sequence change replaces proline, which is neutral and non-polar, with serine, which is neutral and polar, at codon 486 of the PCLO protein (p.Pro486Ser). The frequency data for this variant in the population databases is considered unreliable, as metrics indicate poor data quality at this position in the gnomAD database. This variant has not been reported in the literature in individuals affected with PCLO-related conditions. Algorithms developed to predict the effect of missense changes on protein structure and function output the following: SIFT: "Not Available"; PolyPhen-2: "Benign"; Align-GVGD: "Not Available". The serine amino acid residue is found in multiple mammalian species, which suggests that this missense change does not adversely affect protein function. In summary, the available evidence is currently insufficient to determine the role of this variant in disease. Therefore, it has been classified as a Variant of Uncertain Significance.